The following is an entry in ClinVar:

NM_001004334.4(GPR179):c.725G>A (p.Arg242Gln)

Gene: GPR179 (G protein-coupled receptor 179; minus strand). Cytogenetic location: 17q12.
Variant type: single nucleotide variant.
Coding change: c.725G>A on transcript NM_001004334.4 (MANE Select); coding-DNA position 725, G replaced by A.
Protein change: p.Arg242Gln; replaces arginine 242 with glutamine.
Molecular consequence: missense variant.
Genome position (GRCh38, 1-based): chr17:38,343,065, C>T on the plus strand (G>A on the coding strand, the complement: GPR179 is on the minus strand). VCF-style: chr17-38343065-C-T. GRCh37 (hg19) VCF-style: chr17-36498948-C-T.
Other names: short protein forms R242Q.
Identifiers: ClinVar variation 323031 (VCV000323031.15), dbSNP rs143624972, ClinGen allele CA10650046.

ClinVar aggregate classification (germline): Likely benign. Review status: criteria provided, multiple submitters, no conflicts (2 of 4 stars). 4 submissions from 4 submitters: Likely benign (4). Last evaluated 2026-01-19.

Conditions:
Congenital stationary night blindness 1E. Also called: Night blindness, congenital stationary (complete), 1E, autosomal recessive. Identifiers: Orphanet 215, MedGen C3281215, MONDO:0013807, OMIM 614565.

Allele frequency attached by ClinVar (database versions not stated): gnomAD exomes 0.00035; ExAC 0.00042; gnomAD 0.00113 and 0.00120; TOPMed 0.00123; ESP Exome Variant Server 0.00158; 1000 Genomes Project 0.00160; 1000 Genomes Project 30x 0.00172.
gnomAD v4.1: 355 of 1,614,044 alleles (0.022%); highest among the groups gnomAD compares: African/African-American, 0.39%; 1 homozygote.

Submissions (4):

Labcorp Genetics (formerly Invitae), Labcorp
Classification: Likely benign. Last evaluated: 2026-01-19. Review status: criteria provided, single submitter. Criteria: Invitae Variant Classification Sherloc (09022015). Collection method: clinical testing. Allele origin: germline.

Blueprint Genetics
Classification: Likely benign. Last evaluated: 2024-08-28. Review status: criteria provided, single submitter. Criteria: ACMG Guidelines, 2015. Collection method: clinical testing. Allele origin: germline.

Illumina Laboratory Services, Illumina
Classification: Likely benign for Congenital stationary night blindness 1E. Last evaluated: 2018-01-13. Review status: criteria provided, single submitter. Criteria: ICSL Variant Classification Criteria 13 December 2019. Collection method: clinical testing. Allele origin: germline.
Comment: This variant was observed in the ICSL laboratory as part of a predisposition screen in an ostensibly healthy population. It had not been previously curated by ICSL or reported in the Human Gene Mutation Database (HGMD: prior to June 1st, 2018), and was therefore a candidate for classification through an automated scoring system. Utilizing variant allele frequency, disease prevalence and penetrance estimates, and inheritance mode, an automated score was calculated to assess if this variant is too frequent to cause the disease. Based on the score and internal cut-off values, a variant classified as likely benign is not then subjected to further curation. The score for this variant resulted in a classification of likely benign for this disease.

Breakthrough Genomics
Classification: Likely benign. Review status: criteria provided, single submitter. Criteria: ACMG Guidelines, 2015. Collection method: not provided. Allele origin: germline. Inheritance: Autosomal recessive inheritance. Affected: yes.